The following is an entry in ClinVar:

ClinVar aggregate classification (germline): Uncertain significance (1 of 4 stars; one submission).

Conditions:
Familial adenomatous polyposis 1 (FAP1). Also called: FAMILIAL ADENOMATOUS POLYPOSIS 1, ATTENUATED; POLYPOSIS, ADENOMATOUS INTESTINAL. Identifiers: MedGen C2713442, MONDO:0021056, OMIM 175100. Disease mechanism: loss of function.

Submission:

Labcorp Genetics (formerly Invitae), Labcorp
Classification: Uncertain significance for Familial adenomatous polyposis 1. Last evaluated: 2021-10-16. Review status: criteria provided, single submitter. Criteria: Invitae Variant Classification Sherloc (09022015). Collection method: clinical testing. Allele origin: germline.
Comment: Experimental studies and prediction algorithms are not available or were not evaluated, and the functional significance of this variant is currently unknown. This variant has not been reported in the literature in individuals affected with APC-related conditions. The frequency data for this variant in the population databases is considered unreliable, as metrics indicate insufficient coverage at this position in the ExAC database. This variant occurs in a non-coding region of the APC gene. It does not change the encoded amino acid sequence of the APC protein. In summary, the available evidence is currently insufficient to determine the role of this variant in disease. Therefore, it has been classified as a Variant of Uncertain Significance.

NC_000005.10:g.112707453C>T

Gene: APC (APC regulator of Wnt signaling pathway; plus strand). Cytogenetic location: 5q22.2.
Variant type: single nucleotide variant.
Genome position: GRCh38 VCF-style: chr5-112707453-C-T. GRCh37 (hg19) VCF-style: chr5-112043150-C-T.
Identifiers: ClinVar variation 1387461 (VCV001387461.6), dbSNP rs571262597, ClinGen allele CA2573138764.